The following is an entry in ClinVar:

NM_000321.3(RB1):c.2453G>T (p.Gly818Val)

Gene: RB1 (RB transcriptional corepressor 1; plus strand). Cytogenetic location: 13q14.2.
Variant type: single nucleotide variant.
Coding change: c.2453G>T on transcript NM_000321.3 (MANE Select); coding-DNA position 2453, G replaced by T.
Protein change: p.Gly818Val; replaces glycine 818 with valine.
Molecular consequence: missense variant.
Genome position (GRCh38, 1-based): chr13:48,465,332, G>T. VCF-style: chr13-48465332-G-T. GRCh37 (hg19) VCF-style: chr13-49039468-G-T.
Other names: c.2453G>T, p.Gly818Val (NM_001407165.1); short protein forms G818V.
Identifiers: ClinVar variation 1791524 (VCV001791524.3), dbSNP rs1949433617, ClinGen allele CA388168020.
Genomic context (GRCh38, chr13:48,465,332, plus strand): 5'-GGATTCCTGGAGGGAACATCTATATTTCACCCCTGAAGAGTCCATATAAAATTTCAGAAG[G>T]TCTGCCAACACCAACAAAAATGACTCCAAGATCAAGGTGTGTGTTTTCTCTTTAGGGAAG-3'
Protein context (NP_000312.2, residues 808-828): PLKSPYKISE[Gly818Val]LPTPTKMTPR

ClinVar aggregate classification (germline): Uncertain significance (1 of 4 stars; one submission).

Conditions:
Hereditary cancer-predisposing syndrome. Also called: Hereditary Cancer Syndrome; Hereditary neoplastic syndrome; Tumor predisposition; Neoplastic Syndromes, Hereditary. Identifiers: Orphanet 140162, MedGen C0027672, MeSH D009386, MONDO:0015356.

Allele frequency attached by ClinVar (database versions not stated): gnomAD exomes below 0.00001.
gnomAD v4.1: 4 of 1,610,132 alleles (0.00025%); highest among the groups gnomAD compares: Non-Finnish European, 0.00025%; no homozygotes.

Submission:

Ambry Genetics
Classification: Uncertain significance for Hereditary cancer-predisposing syndrome. Last evaluated: 2025-11-10. Review status: criteria provided, single submitter. Criteria: Ambry Variant Classification Scheme 2023. Collection method: clinical testing. Allele origin: germline.
Comment: The p.G818V variant (also known as c.2453G>T), located in coding exon 23 of the RB1 gene, results from a G to T substitution at nucleotide position 2453. The glycine at codon 818 is replaced by valine, an amino acid with dissimilar properties. This amino acid position is conserved. In addition, the in silico prediction for this alteration is inconclusive. Since supporting evidence is limited at this time, the clinical significance of this alteration remains unclear.